The following is an entry in ClinVar:

NM_001080467.3(MYO5B):c.2579T>A (p.Met860Lys)

Gene: MYO5B (myosin VB; minus strand). Cytogenetic location: 18q21.1.
Variant type: single nucleotide variant.
Coding change: c.2579T>A on transcript NM_001080467.3 (MANE Select); coding-DNA position 2579, T replaced by A.
Protein change: p.Met860Lys; replaces methionine 860 with lysine.
Molecular consequence: missense variant.
Genome position (GRCh38, 1-based): chr18:49,902,826, A>T on the plus strand (T>A on the coding strand, the complement: MYO5B is on the minus strand). VCF-style: chr18-49902826-A-T. GRCh37 (hg19) VCF-style: chr18-47429196-A-T.
Other names: short protein forms M860K.
Identifiers: ClinVar variation 889100 (VCV000889100.8), dbSNP rs539079604, ClinGen allele CA8961005.
Genomic context (GRCh38, chr18:49,902,826, plus strand): 5'-AAGTGCCTGCGTGCCATCCAGCCCCGCACGTGCTTCTGGATGGTGGTGGCCTTGTGCTCC[A>T]TGAGGACCTGGCGGGAAACAAGGATACACATCTTGTGGGTTTGCACTGCAGGACAGGAGT-3'
Protein context (NP_001073936.1, residues 850-870): FVRRTYRQVL[Met860Lys]EHKATTIQKH

ClinVar aggregate classification (germline): Uncertain significance. Review status: criteria provided, multiple submitters, no conflicts (2 of 4 stars). 2 submissions from 2 submitters: Uncertain significance (2). Last evaluated 2023-08-10.

Conditions:
Congenital microvillous atrophy (DIAR2). Also called: MICROVILLUS ATROPHY, CONGENITAL; Microvillus inclusion disease; DAVIDSON DISEASE; CONGENITAL FAMILIAL PROTRACTED DIARRHEA WITH ENTEROCYTE BRUSH-BORDER ABNORMALITIES; Diarrhea 2 with microvillus atrophy, with or without cholestasis. Identifiers: Orphanet 2290, MedGen C0341306, MONDO:0009635, OMIM 251850.

Allele frequency attached by ClinVar (database versions not stated): gnomAD exomes below 0.00001; TOPMed below 0.00001; ExAC 0.00001; gnomAD 0.00001.
gnomAD v4.1: 36 of 1,600,138 alleles (0.0022%); highest among the groups gnomAD compares: Non-Finnish European, 0.003%; no homozygotes.

Submissions (2):

Labcorp Genetics (formerly Invitae), Labcorp
Classification: Uncertain significance. Last evaluated: 2023-08-10. Review status: criteria provided, single submitter. Criteria: Invitae Variant Classification Sherloc (09022015). Collection method: clinical testing. Allele origin: germline.
Comment: Advanced modeling of protein sequence and biophysical properties (such as structural, functional, and spatial information, amino acid conservation, physicochemical variation, residue mobility, and thermodynamic stability) performed at Invitae indicates that this missense variant is not expected to disrupt MYO5B protein function. ClinVar contains an entry for this variant (Variation ID: 889100). This variant has not been reported in the literature in individuals affected with MYO5B-related conditions. This variant is present in population databases (rs539079604, gnomAD 0.002%). This sequence change replaces methionine, which is neutral and non-polar, with lysine, which is basic and polar, at codon 860 of the MYO5B protein (p.Met860Lys). In summary, the available evidence is currently insufficient to determine the role of this variant in disease. Therefore, it has been classified as a Variant of Uncertain Significance.

Illumina Laboratory Services, Illumina
Classification: Uncertain significance for Congenital microvillous atrophy. Last evaluated: 2018-01-13. Review status: criteria provided, single submitter. Criteria: ICSL Variant Classification Criteria 13 December 2019. Collection method: clinical testing. Allele origin: germline.